The following is an entry in ClinVar:

ClinVar aggregate classification (germline): Likely benign (1 of 4 stars; one submission).

Conditions:
PKD1-related disorder. Also called: PKD1-related condition.

Submission:

PreventionGenetics, part of Exact Sciences
Classification: Likely benign for PKD1-related condition. Last evaluated: 2026-02-24. Review status: criteria provided, single submitter. Criteria: ACMG Guidelines, 2015. Collection method: clinical testing. Allele origin: germline.
Comment: This variant is classified as likely benign based on ACMG/AMP sequence variant interpretation guidelines (Richards et al. 2015 PMID: 25741868, with internal and published modifications).

NM_001009944.3(PKD1):c.12736C>T (p.Leu4246=)

Gene: PKD1 (polycystin 1, transient receptor potential channel interacting; minus strand). Cytogenetic location: 16p13.3.
Variant type: single nucleotide variant.
Coding change: c.12736C>T on transcript NM_001009944.3 (MANE Select); coding-DNA position 12736, C replaced by T.
Protein change: p.Leu4246=; no amino-acid change (leucine 4246 retained).
Molecular consequence: synonymous variant.
Genome position (GRCh38, 1-based): chr16:2,089,903, G>A on the plus strand (C>T on the coding strand, the complement: PKD1 is on the minus strand). VCF-style: chr16-2089903-G-A. GRCh37 (hg19) VCF-style: chr16-2139904-G-A.
Other names: c.12733C>T, p.Leu4245= (NM_000296.4).
Identifiers: ClinVar variation 4992826 (VCV004992826.1).